The following is an entry in ClinVar:

NM_000274.4(OAT):c.1122del (p.Gly375fs)

Gene: OAT (ornithine aminotransferase; minus strand). Cytogenetic location: 10q26.13.
Variant type: Deletion.
Coding change: c.1122del on transcript NM_000274.4 (MANE Select); coding-DNA position 1122, one base deleted (A; older notation c.1122delA).
Protein change: p.Gly375fs; shifts the reading frame from glycine 375.
Molecular consequence: frameshift variant.
Genome position (GRCh38, 1-based): chr10:124,400,877, T deleted on the plus strand (A on the coding strand, the reverse complement: OAT is on the minus strand); the first of 4 consecutive T bases (chr10:124,400,877-124,400,880); deleting any one gives the same sequence. VCF-style (leftmost placement, unchanged base first): chr10-124400876-CT-C. GRCh37 (hg19) VCF-style: chr10-126089445-CT-C.
Other names: c.1119delA, p.Gly375Aspfs (NM_000274.3); c.708del, p.Gly237fs (NM_001171814.2); c.1122del, p.Gly375fs (NM_001322965.2, NM_001322966.2, NM_001322967.2 and 3 more transcripts); c.801del, p.Gly268fs (NM_001322971.2); c.522del, p.Gly175fs (NM_001322974.2); short protein forms G175fs, G237fs, G268fs, G375fs.
Identifiers: ClinVar variation 4818076 (VCV004818076.1).

ClinVar aggregate classification (germline): Likely pathogenic (1 of 4 stars; one submission).

Conditions:
Ornithine aminotransferase deficiency (GACR). Also called: HYPERORNITHINEMIA WITH GYRATE ATROPHY OF CHOROID AND RETINA; OAT DEFICIENCY; OKT DEFICIENCY; Ornithine ketoacid aminotransferase deficiency; Gyrate atrophy; Gyrate atrophy of choroid and retina. Identifiers: Orphanet 414, MedGen C0018425, MONDO:0009796, OMIM 258870.

Submission:

Natera, Inc.
Classification: Likely pathogenic for Gyrate atrophy. Last evaluated: 2025-08-28. Review status: criteria provided, single submitter. Criteria: Natera Variant Classification Schema (03/2026). Collection method: clinical testing. Allele origin: germline.
Comment: The c.1122del variant in OAT is a frameshift variant predicted to shift the reading frame beginning at codon 375 and leads to a stop codon 3 codons downstream. This variant is expected to result in nonsense mediated decay, truncation, or a dysfunctional protein product. This variant is rare in the general population with a frequency below the threshold expected for the associated phenotype(s). Given the available evidence, this variant is classified as Likely Pathogenic.